The following is an entry in ClinVar:

NM_001330260.2(SCN8A):c.5590A>T (p.Ile1864Phe)

Gene: SCN8A (sodium voltage-gated channel alpha subunit 8; plus strand). Cytogenetic location: 12q13.13.
Variant type: single nucleotide variant.
Coding change: c.5590A>T on transcript NM_001330260.2 (MANE Select); coding-DNA position 5590, A replaced by T.
Protein change: p.Ile1864Phe; replaces isoleucine 1864 with phenylalanine.
Molecular consequence: missense variant.
Genome position (GRCh38, 1-based): chr12:51,807,076, A>T. VCF-style: chr12-51807076-A-T. GRCh37 (hg19) VCF-style: chr12-52200860-A-T.
Other names: c.5467A>T, p.Ile1823Phe (NM_001177984.3, NM_001369788.1); c.5590A>T, p.Ile1864Phe (NM_014191.4); short protein forms I1823F, I1864F.
Identifiers: ClinVar variation 4681338 (VCV004681338.5).

ClinVar aggregate classification (germline): Likely pathogenic (1 of 4 stars; one submission).

Submission:

CeGaT Center for Human Genetics Tuebingen
Classification: Likely pathogenic. Last evaluated: 2025-12-01. Review status: criteria provided, single submitter. Criteria: CeGaT Center For Human Genetics Tuebingen Variant Classification Criteria Version 2. Collection method: clinical testing. Allele origin: germline. Affected: yes. Observed: 1 variant allele.
Comment: SCN8A: PS2, PM2, PP2